The following is an entry in ClinVar:

NM_002354.3(EPCAM):c.133C>T (p.Gln45Ter)

Gene: EPCAM (epithelial cell adhesion molecule; plus strand). Cytogenetic location: 2p21.
Variant type: single nucleotide variant.
Coding change: c.133C>T on transcript NM_002354.3 (MANE Select); coding-DNA position 133, C replaced by T.
Protein change: p.Gln45Ter; replaces glutamine 45 with a stop codon.
Molecular consequence: nonsense.
Genome position (GRCh38, 1-based): chr2:47,373,519, C>T. VCF-style: chr2-47373519-C-T. GRCh37 (hg19) VCF-style: chr2-47600658-C-T.
Other names: short protein forms Q45*.
Identifiers: ClinVar variation 239120 (VCV000239120.9), dbSNP rs878854485, ClinGen allele CA10581976.

ClinVar aggregate classification (germline): Pathogenic (1 of 4 stars; one submission).

Allele frequency attached by ClinVar (database versions not stated): TOPMed 0.00001.
gnomAD v4.1: 1 of 1,613,800 alleles (0.000062%); no homozygotes.

Submission:

Labcorp Genetics (formerly Invitae), Labcorp
Classification: Pathogenic. Last evaluated: 2016-02-01. Review status: criteria provided, single submitter. Criteria: Invitae Variant Classification Sherloc (09022015). Collection method: clinical testing. Allele origin: germline.
Comment: For these reasons, this variant has been classified as Pathogenic. While this particular variant has not been reported in the literature, truncating variants in EPCAM are known to be pathogenic for autosomal recessive congenital tufting enteropathy (PMID: 24142340). This sequence change creates a premature translational stop signal at codon 45 (p.Gln45*) of the EPCAM gene. It is expected to result in an absent or disrupted protein product.

Literature cited by the submitters: PubMed 24142340.